The following is an entry in ClinVar:

ClinVar aggregate classification (germline): Benign. Review status: criteria provided, multiple submitters, no conflicts (2 of 4 stars). 9 submissions from 8 submitters: Benign (7). 2 of the submissions do not count toward it. Last evaluated 2026-02-01.

Conditions:
Nephronophthisis. Also called: Juvenile Nephronophthisis. Identifiers: Orphanet 655, MedGen C0687120, MONDO:0019005, HP:0000090.
Jeune thoracic dystrophy. Also called: Jeune syndrome; Infantile thoracic dystrophy; Thoracic pelvic phalangeal dystrophy; Jeune's syndrome; Chondroectodermal dysplasia-like syndrome; Short-rib thoracic dysplasia. Identifiers: Orphanet 474, MedGen C0265275, MONDO:0018770.
Nephronophthisis 12 (NPHP12). Identifiers: Orphanet 655, MedGen C3151186, MONDO:0013442, OMIM 613820.
Asphyxiating thoracic dystrophy 4 (SRTD4). Also called: SHORT-RIB THORACIC DYSPLASIA 4 WITH OR WITHOUT POLYDACTYLY; SHORT-RIB THORACIC DYSPLASIA 4. Identifiers: Orphanet 474, MedGen C3151185, MONDO:0013441, OMIM 613819.

Allele frequency attached by ClinVar (database versions not stated): gnomAD exomes 0.00157; ExAC 0.00180; 1000 Genomes Project 0.00539; 1000 Genomes Project 30x 0.00547; gnomAD 0.00566 and 0.00617; TOPMed 0.00651; ESP Exome Variant Server 0.00769.
gnomAD v4.1: 1,825 of 1,614,190 alleles (0.11%); highest among the groups gnomAD compares: African/African-American, 2.1%; 21 homozygotes.

Submissions (9):

Labcorp Genetics (formerly Invitae), Labcorp
Classification: Benign for Jeune thoracic dystrophy; Nephronophthisis. Last evaluated: 2026-02-01. Review status: criteria provided, single submitter. Criteria: Invitae Variant Classification Sherloc (09022015). Collection method: clinical testing. Allele origin: germline.

ARUP Laboratories, Molecular Genetics and Genomics, ARUP Laboratories
Classification: Benign. Last evaluated: 2025-06-20. Review status: criteria provided, single submitter. Criteria: ARUP Molecular Germline Variant Investigation Process 2024. Collection method: clinical testing. Allele origin: germline.

Mayo Clinic Laboratories, Mayo Clinic
Classification: Benign. Last evaluated: 2024-02-15. Review status: criteria provided, single submitter. Criteria: ACMG Guidelines, 2015. Collection method: clinical testing. Allele origin: germline. Observed: 5 variant alleles.
Comment: BS1, BS2

GeneDx
Classification: Benign. Last evaluated: 2018-07-30. Review status: criteria provided, single submitter. Criteria: GeneDx Variant Classification Process June 2021. Collection method: clinical testing. Allele origin: germline. Affected: yes.
Comment: This variant is associated with the following publications: (PMID: 21258341)

Illumina Laboratory Services, Illumina
Classification: Benign for Nephronophthisis 12. Last evaluated: 2018-01-13. Review status: criteria provided, single submitter. Criteria: ICSL Variant Classification Criteria 13 December 2019. Collection method: clinical testing. Allele origin: germline.
Comment: This variant was observed in the ICSL laboratory as part of a predisposition screen in an ostensibly healthy population. It had not been previously curated by ICSL or reported in the Human Gene Mutation Database (HGMD: prior to June 1st, 2018), and was therefore a candidate for classification through an automated scoring system. Utilizing variant allele frequency, disease prevalence and penetrance estimates, and inheritance mode, an automated score was calculated to assess if this variant is too frequent to cause the disease. Based on the score and internal cut-off values, a variant classified as benign is not then subjected to further curation. The score for this variant resulted in a classification of benign for this disease.

Illumina Laboratory Services, Illumina
Classification: Benign for Asphyxiating thoracic dystrophy 4. Last evaluated: 2018-01-13. Review status: criteria provided, single submitter. Criteria: ICSL Variant Classification Criteria 13 December 2019. Collection method: clinical testing. Allele origin: germline.
Comment: the same text as in the submission from Illumina Laboratory Services, Illumina above.

Breakthrough Genomics
Classification: Benign. Review status: criteria provided, single submitter. Criteria: ACMG Guidelines, 2015. Collection method: not provided. Allele origin: germline. Inheritance: Autosomal recessive inheritance. Affected: yes.

Clinical Genetics DNA and cytogenetics Diagnostics Lab, Erasmus MC, Erasmus Medical Center
Classification: Benign. Review status: no assertion criteria provided. Collection method: clinical testing. Allele origin: germline. Affected: yes. Study: VKGL Data-share Consensus. Not counted in ClinVar's aggregate classification.

Genome Diagnostics Laboratory, University Medical Center Utrecht
Classification: Likely benign. Review status: no assertion criteria provided. Collection method: clinical testing. Allele origin: germline. Affected: yes. Study: VKGL Data-share Consensus. Not counted in ClinVar's aggregate classification.

NM_024753.5(TTC21B):c.1870A>G (p.Ile624Val)

Gene: TTC21B (tetratricopeptide repeat domain 21B; minus strand). Cytogenetic location: 2q24.3.
Variant type: single nucleotide variant.
Coding change: c.1870A>G on transcript NM_024753.5 (MANE Select); coding-DNA position 1870, A replaced by G.
Protein change: p.Ile624Val; replaces isoleucine 624 with valine.
Molecular consequence: missense variant.
Genome position (GRCh38, 1-based): chr2:165,917,286, T>C on the plus strand (A>G on the coding strand, the complement: TTC21B is on the minus strand). VCF-style: chr2-165917286-T-C. GRCh37 (hg19) VCF-style: chr2-166773796-T-C.
Other names: short protein forms I624V.
Identifiers: ClinVar variation 331831 (VCV000331831.31), dbSNP rs77106136, ClinGen allele CA1942001.